The following is an entry in ClinVar:

NM_002382.5(MAX):c.308A>T (p.Glu103Val)

Gene: MAX (MYC associated transcriptional regulator X; minus strand). Cytogenetic location: 14q23.3.
Variant type: single nucleotide variant.
Coding change: c.308A>T on transcript NM_002382.5 (MANE Select); coding-DNA position 308, A replaced by T.
Protein change: p.Glu103Val; replaces glutamic acid 103 with valine.
Molecular consequence: missense variant. On other transcripts: 3 prime UTR variant (12), non-coding transcript variant (7), intron variant (2).
Genome position (GRCh38, 1-based): chr14:65,076,651, T>A on the plus strand (A>T on the coding strand, the complement: MAX is on the minus strand). VCF-style: chr14-65076651-T-A. GRCh37 (hg19) VCF-style: chr14-65543369-T-A.
Other names: c.119A>T, p.Glu40Val (NM_001320415.2, NM_001407105.1, NM_001407106.1 and 1 more transcripts); c.308A>T, p.Glu103Val (NM_001407094.1); c.281A>T, p.Glu94Val (NM_001407095.1, NM_145112.3); c.*81A>T (NM_001407096.1, NM_001407099.1, NM_001407102.1 and 2 more transcripts); c.*97A>T (NM_001407097.1, NM_001407100.1, NM_001407101.1 and 4 more transcripts); c.200A>T, p.Glu67Val (NM_001407098.1); c.107A>T, p.Glu36Val (NM_001407111.1, NM_001407112.1); c.144+17057A>T (NM_001271069.2); and 1 more; short protein forms E40V, E94V, E103V, E36V, E67V.
Identifiers: ClinVar variation 4645749 (VCV004645749.1).

ClinVar aggregate classification (germline): Uncertain significance (1 of 4 stars; one submission).

Conditions:
Hereditary cancer-predisposing syndrome. Also called: Neoplastic Syndromes, Hereditary; Tumor predisposition; Hereditary Cancer Syndrome; Hereditary neoplastic syndrome. Identifiers: Orphanet 140162, MedGen C0027672, MeSH D009386, MONDO:0015356.

Submission:

Ambry Genetics
Classification: Uncertain significance for Hereditary cancer-predisposing syndrome. Last evaluated: 2025-10-14. Review status: criteria provided, single submitter. Criteria: Ambry Variant Classification Scheme 2023. Collection method: clinical testing. Allele origin: germline.
Comment: The p.E103V variant (also known as c.308A>T), located in coding exon 5 of the MAX gene, results from an A to T substitution at nucleotide position 308. The glutamic acid at codon 103 is replaced by valine, an amino acid with dissimilar properties. This amino acid position is conserved. In addition, this alteration is predicted to be deleterious by in silico analysis. Based on the available evidence, the clinical significance of this variant remains unclear.